The following is an entry in ClinVar:

NM_022817.3(PER2):c.448+8G>T

Gene: PER2 (period circadian regulator 2; minus strand). Cytogenetic location: 2q37.3.
Variant type: single nucleotide variant.
Coding change: c.448+8G>T on transcript NM_022817.3 (MANE Select); 8 bases into the intron after coding-DNA position 448, G replaced by T.
Molecular consequence: intron variant.
Genome position (GRCh38, 1-based): chr2:238,275,735, C>A on the plus strand (G>T on the coding strand, the complement: PER2 is on the minus strand). VCF-style: chr2-238275735-C-A. GRCh37 (hg19) VCF-style: chr2-239184376-C-A.
Identifiers: ClinVar variation 3033819 (VCV003033819.2), dbSNP rs371393597, ClinGen allele CA2197792.
Genomic context (GRCh38, chr2:238,275,735, plus strand): 5'-AGCTATAATTTGGGGGGATTTAAAACATATTTCTATAGGTTTGGAGCAGATGTGCGAGGC[C>A]GACGTACCTTTCACCTGCTTCACGCTCCTGAGGGCGTACTTCAAGGTGGCCAGCGTACTG-3'

ClinVar aggregate classification (germline): Likely benign (0 of 4 stars; one submission).

Conditions:
PER2-related disorder. Also called: PER2-related condition.

Allele frequency attached by ClinVar (database versions not stated): 1000 Genomes Project 30x 0.00062; ESP Exome Variant Server 0.00069; 1000 Genomes Project 0.00080.
gnomAD v4.1: 179 of 1,613,374 alleles (0.011%); highest among the groups gnomAD compares: African/African-American, 0.2%; no homozygotes.

Submission:

PreventionGenetics, part of Exact Sciences
Classification: Likely benign for PER2-related condition. Last evaluated: 2019-06-11. Review status: no assertion criteria provided. Collection method: clinical testing. Allele origin: germline.
Comment: This variant is classified as likely benign based on ACMG/AMP sequence variant interpretation guidelines (Richards et al. 2015 PMID: 25741868, with internal and published modifications).